The following is an entry in ClinVar:

NM_006904.7(PRKDC):c.3447G>T (p.Lys1149Asn)

Gene: PRKDC (protein kinase, DNA-activated, catalytic subunit; minus strand). Cytogenetic location: 8q11.21.
Variant type: single nucleotide variant.
Coding change: c.3447G>T on transcript NM_006904.7 (MANE Select); coding-DNA position 3447, G replaced by T.
Protein change: p.Lys1149Asn; replaces lysine 1149 with asparagine.
Molecular consequence: missense variant.
Genome position (GRCh38, 1-based): chr8:47,898,487, C>A on the plus strand (G>T on the coding strand, the complement: PRKDC is on the minus strand). VCF-style: chr8-47898487-C-A. GRCh37 (hg19) VCF-style: chr8-48811047-C-A.
Other names: c.3447G>T, p.Lys1149Asn (NM_001081640.2); short protein forms K1149N.
Identifiers: ClinVar variation 1731520 (VCV001731520.2), dbSNP rs2551874956, ClinGen allele CA371154380.
Genomic context (GRCh38, chr8:47,898,487, plus strand): 5'-TTATGTTGTGGGAAAAGACGGAAAAGGAAGCAAGATCACCTACCGCGGCAAACGTCGTTT[C>A]TTTGCTTTATTTAAAGAAACATGCTTCTTTTCAATGATGCGGCATAGGTGATCAATGGCA-3'
Protein context (NP_008835.5, residues 1139-1159): EKKHVSLNKA[Lys1149Asn]KRRLPRGFPP

ClinVar aggregate classification (germline): Uncertain significance (1 of 4 stars; one submission).

Submission:

Ambry Genetics
Classification: Uncertain significance. Last evaluated: 2021-12-10. Review status: criteria provided, single submitter. Criteria: Ambry Variant Classification Scheme 2023. Collection method: clinical testing. Allele origin: germline.
Comment: The p.K1149N variant (also known as c.3447G>T), located in coding exon 29 of the PRKDC gene, results from a G to T substitution at nucleotide position 3447. The lysine at codon 1149 is replaced by asparagine, an amino acid with similar properties. This amino acid position is conserved. In addition, this alteration is predicted to be tolerated by in silico analysis. Since supporting evidence is limited at this time, the clinical significance of this alteration remains unclear.